The following is an entry in ClinVar:

NM_000257.4(MYH7):c.3710A>G (p.Gln1237Arg)

Gene: MYH7 (myosin heavy chain 7; minus strand). Cytogenetic location: 14q11.2.
Variant type: single nucleotide variant.
Coding change: c.3710A>G on transcript NM_000257.4 (MANE Select); coding-DNA position 3710, A replaced by G.
Protein change: p.Gln1237Arg; replaces glutamine 1237 with arginine.
Molecular consequence: missense variant.
Genome position (GRCh38, 1-based): chr14:23,419,861, T>C on the plus strand (A>G on the coding strand, the complement: MYH7 is on the minus strand). VCF-style: chr14-23419861-T-C. GRCh37 (hg19) VCF-style: chr14-23889070-T-C.
Other names: short protein forms Q1237R.
Identifiers: ClinVar variation 864599 (VCV000864599.9), dbSNP rs1892397333, ClinGen allele CA389042945.

ClinVar aggregate classification (germline): Uncertain significance (1 of 4 stars; one submission).

Conditions:
Hypertrophic cardiomyopathy. Also called: HYPERTROPHIC MYOCARDIOPATHY. Identifiers: Orphanet 217569, MedGen C0007194, MeSH D002312, MONDO:0005045, HP:0001639.

Submission:

Labcorp Genetics (formerly Invitae), Labcorp
Classification: Uncertain significance for Hypertrophic cardiomyopathy. Last evaluated: 2019-11-26. Review status: criteria provided, single submitter. Criteria: Invitae Variant Classification Sherloc (09022015). Collection method: clinical testing. Allele origin: germline.
Comment: This sequence change replaces glutamine with arginine at codon 1237 of the MYH7 protein (p.Gln1237Arg). The glutamine residue is highly conserved and there is a small physicochemical difference between glutamine and arginine. This variant is not present in population databases (ExAC no frequency). In summary, the available evidence is currently insufficient to determine the role of this variant in disease. Therefore, it has been classified as a Variant of Uncertain Significance. Algorithms developed to predict the effect of missense changes on protein structure and function are either unavailable or do not agree on the potential impact of this missense change (SIFT: "Deleterious"; PolyPhen-2: "Benign"; Align-GVGD: "Class C0"). This variant has not been reported in the literature in individuals with MYH7-related conditions.